The following is an entry in ClinVar:

NM_004260.4(RECQL4):c.1342C>T (p.Pro448Ser)

Gene: RECQL4 (RecQ like helicase 4; minus strand). Cytogenetic location: 8q24.3.
Variant type: single nucleotide variant.
Coding change: c.1342C>T on transcript NM_004260.4 (MANE Select); coding-DNA position 1342, C replaced by T.
Protein change: p.Pro448Ser; replaces proline 448 with serine.
Molecular consequence: missense variant.
Genome position (GRCh38, 1-based): chr8:144,515,374, G>A on the plus strand (C>T on the coding strand, the complement: RECQL4 is on the minus strand). VCF-style: chr8-144515374-G-A. GRCh37 (hg19) VCF-style: chr8-145740758-G-A.
Other names: short protein forms P448S.
Identifiers: ClinVar variation 1011039 (VCV001011039.3), dbSNP rs1586817338, ClinGen allele CA372685540.
Genomic context (GRCh38, chr8:144,515,374, plus strand): 5'-CTGACTGCTCACCTGCCAACTGCCCTGAGGGCCCCAGGGAGTAGAGTGGCAGCACGGTGG[G>A]GTCCAGGCTGGGCACCTCAGGTACAGGTTGTGGTGAAGGAACCAGTGGCTCAGGCCCAAC-3'
Protein context (NP_004251.4, residues 438-458): QPVPEVPSLD[Pro448Ser]TVLPLYSLGP

ClinVar aggregate classification (germline): Uncertain significance (1 of 4 stars; one submission).

Conditions:
Baller-Gerold syndrome (BGS). Also called: CRANIOSYNOSTOSIS WITH RADIAL DEFECTS. Identifiers: Orphanet 1225, MedGen C0265308, MONDO:0009039, OMIM 218600.

Allele frequency attached by ClinVar (database versions not stated): gnomAD exomes below 0.00001.
gnomAD v4.1: 2 of 1,612,760 alleles (0.00012%); highest among the groups gnomAD compares: Non-Finnish European, 0.000085%; no homozygotes.

Submission:

Labcorp Genetics (formerly Invitae), Labcorp
Classification: Uncertain significance for Baller-Gerold syndrome. Last evaluated: 2020-03-18. Review status: criteria provided, single submitter. Criteria: Invitae Variant Classification Sherloc (09022015). Collection method: clinical testing. Allele origin: germline.
Comment: In summary, the available evidence is currently insufficient to determine the role of this variant in disease. Therefore, it has been classified as a Variant of Uncertain Significance. Algorithms developed to predict the effect of missense changes on protein structure and function are either unavailable or do not agree on the potential impact of this missense change (SIFT: "Tolerated"; PolyPhen-2: "Not Available"; Align-GVGD: "Class C0"). This variant has not been reported in the literature in individuals with RECQL4-related conditions. This variant is not present in population databases (ExAC no frequency). This sequence change replaces proline with serine at codon 448 of the RECQL4 protein (p.Pro448Ser). The proline residue is weakly conserved and there is a moderate physicochemical difference between proline and serine.